The following is an entry in ClinVar:

ClinVar aggregate classification (germline): Uncertain significance (1 of 4 stars; one submission).

Submission:

GeneDx
Classification: Uncertain significance. Last evaluated: 2025-01-23. Review status: criteria provided, single submitter. Criteria: GeneDx Variant Classification Process June 2021. Collection method: clinical testing. Allele origin: germline. Affected: yes.
Comment: Not observed at significant frequency in large population cohorts (gnomAD); Has not been previously published as pathogenic or benign to our knowledge; Located in a regulatory region; in the absence of functional studies, the actual effect of this sequence change is unknown

NM_000545.8(HNF1A):c.-64C>G

Gene: HNF1A (HNF1 homeobox A; plus strand). Cytogenetic location: 12q24.31.
Variant type: single nucleotide variant.
Coding change: c.-64C>G on transcript NM_000545.8 (MANE Select); 64 bases upstream of the start codon, C replaced by G.
Molecular consequence: 5 prime UTR variant.
Genome position (GRCh38, 1-based): chr12:120,978,705, C>G. VCF-style: chr12-120978705-C-G. GRCh37 (hg19) VCF-style: chr12-121416508-C-G.
Other names: c.-64C>G (NM_001306179.2, NM_001406915.1).
Identifiers: ClinVar variation 4071757 (VCV004071757.1).